The following is an entry in ClinVar:

ClinVar aggregate classification (germline): Likely benign (1 of 4 stars; one submission).

Conditions:
PLXNB3-related disorder. Also called: PLXNB3-related condition.

Submission:

PreventionGenetics, part of Exact Sciences
Classification: Likely benign for PLXNB3-related condition. Last evaluated: 2026-05-26. Review status: criteria provided, single submitter. Criteria: ACMG Guidelines, 2015. Collection method: clinical testing. Allele origin: germline.
Comment: This variant is classified as likely benign based on ACMG/AMP sequence variant interpretation guidelines (Richards et al. 2015 PMID: 25741868, with internal and published modifications).

NM_005393.3(PLXNB3):c.5040C>T (p.Arg1680=)

Gene: PLXNB3 (plexin B3; plus strand). Cytogenetic location: Xq28.
Variant type: single nucleotide variant.
Coding change: c.5040C>T on transcript NM_005393.3 (MANE Select); coding-DNA position 5040, C replaced by T.
Protein change: p.Arg1680=; no amino-acid change (arginine 1680 retained).
Molecular consequence: synonymous variant.
Genome position (GRCh38, 1-based): chrX:153,777,320, C>T. VCF-style: chrX-153777320-C-T. GRCh37 (hg19) VCF-style: chrX-153042775-C-T.
Other names: c.5109C>T, p.Arg1703= (NM_001163257.2).
Identifiers: ClinVar variation 4990107 (VCV004990107.1).